The following is an entry in ClinVar:

ClinVar aggregate classification (germline): Uncertain significance (1 of 4 stars; one submission).

Conditions:
Inborn genetic diseases. Identifiers: MedGen C0950123, MeSH D030342.

Submission:

Ambry Genetics
Classification: Uncertain significance for Inborn genetic diseases. Last evaluated: 2024-06-12. Review status: criteria provided, single submitter. Criteria: Ambry Variant Classification Scheme 2023. Collection method: clinical testing. Allele origin: germline.
Comment: The p.D2243V variant (also known as c.6728A>T), located in coding exon 45 of the LRRK2 gene, results from an A to T substitution at nucleotide position 6728. The aspartic acid at codon 2243 is replaced by valine, an amino acid with highly dissimilar properties. This amino acid position is conserved. In addition, this alteration is predicted to be deleterious by in silico analysis. Based on the available evidence, the clinical significance of this variant remains unclear.

NM_198578.4(LRRK2):c.6728A>T (p.Asp2243Val)

Gene: LRRK2 (leucine rich repeat kinase 2; plus strand). Cytogenetic location: 12q12.
Variant type: single nucleotide variant.
Coding change: c.6728A>T on transcript NM_198578.4 (MANE Select); coding-DNA position 6728, A replaced by T.
Protein change: p.Asp2243Val; replaces aspartic acid 2243 with valine.
Molecular consequence: missense variant.
Genome position (GRCh38, 1-based): chr12:40,354,450, A>T. VCF-style: chr12-40354450-A-T. GRCh37 (hg19) VCF-style: chr12-40748252-A-T.
Other names: short protein forms D2243V.
Identifiers: ClinVar variation 3292064 (VCV003292064.1).